The following is an entry in ClinVar:

ClinVar aggregate classification (germline): Likely benign (1 of 4 stars; one submission).

Allele frequency attached by ClinVar (database versions not stated): gnomAD exomes 0.00063; 1000 Genomes Project 30x 0.00453; 1000 Genomes Project 0.00459; gnomAD 0.00520 and 0.00559; TOPMed 0.00582.
gnomAD v4.1: 1,737 of 1,611,830 alleles (0.11%); highest among the groups gnomAD compares: African/African-American, 1.8%; 17 homozygotes.

Submission:

GeneDx
Classification: Likely benign. Last evaluated: 2018-06-19. Review status: criteria provided, single submitter. Criteria: GeneDx Variant Classification (06012015). Collection method: clinical testing. Allele origin: germline. Affected: yes.
Comment: This variant is considered likely benign or benign based on one or more of the following criteria: it is a conservative change, it occurs at a poorly conserved position in the protein, it is predicted to be benign by multiple in silico algorithms, and/or has population frequency not consistent with disease.

NM_000257.4(MYH7):c.4354-61A>T

Genes: MHRT (myosin heavy chain associated RNA transcript; plus strand), MYH7 (myosin heavy chain 7; minus strand). Cytogenetic location: 14q11.2.
Variant type: single nucleotide variant.
Coding change: c.4354-61A>T on transcript NM_000257.4 (MANE Select); 61 bases into the intron before coding-DNA position 4354, A replaced by T.
Molecular consequence: intron variant.
Genome position (GRCh38, 1-based): chr14:23,417,379, T>A on the plus strand (A>T on the coding strand, the complement: MYH7 is on the minus strand). VCF-style: chr14-23417379-T-A. GRCh37 (hg19) VCF-style: chr14-23886588-T-A.
Identifiers: ClinVar variation 675327 (VCV000675327.1), dbSNP rs559916092, ClinGen allele CA257812007.